The following is an entry in ClinVar:

ClinVar aggregate classification (germline): Uncertain significance (1 of 4 stars; one submission).

Conditions:
Hajdu-Cheney syndrome (HJCYS). Also called: ACROOSTEOLYSIS WITH OSTEOPOROSIS AND CHANGES IN SKULL AND MANDIBLE; SERPENTINE FIBULA-POLYCYSTIC KIDNEY SYNDROME; Acroosteolysis dominant type. Identifiers: Orphanet 955, MedGen C0917715, MONDO:0007057, OMIM 102500.

Submission:

Labcorp Genetics (formerly Invitae), Labcorp
Classification: Uncertain significance for Hajdu-Cheney syndrome. Last evaluated: 2024-03-12. Review status: criteria provided, single submitter. Criteria: Invitae Variant Classification Sherloc (09022015). Collection method: clinical testing. Allele origin: germline.
Comment: This sequence change replaces leucine, which is neutral and non-polar, with valine, which is neutral and non-polar, at codon 1777 of the NOTCH2 protein (p.Leu1777Val). This variant is not present in population databases (gnomAD no frequency). This variant has not been reported in the literature in individuals affected with NOTCH2-related conditions. Advanced modeling of protein sequence and biophysical properties (such as structural, functional, and spatial information, amino acid conservation, physicochemical variation, residue mobility, and thermodynamic stability) performed at Invitae indicates that this missense variant is not expected to disrupt NOTCH2 protein function with a negative predictive value of 80%. In summary, the available evidence is currently insufficient to determine the role of this variant in disease. Therefore, it has been classified as a Variant of Uncertain Significance.

NM_024408.4(NOTCH2):c.5329C>G (p.Leu1777Val)

Gene: NOTCH2 (notch receptor 2; minus strand). Cytogenetic location: 1p12.
Variant type: single nucleotide variant.
Coding change: c.5329C>G on transcript NM_024408.4 (MANE Select); coding-DNA position 5329, C replaced by G.
Protein change: p.Leu1777Val; replaces leucine 1777 with valine.
Molecular consequence: missense variant.
Genome position (GRCh38, 1-based): chr1:119,920,379, G>C on the plus strand (C>G on the coding strand, the complement: NOTCH2 is on the minus strand). VCF-style: chr1-119920379-G-C. GRCh37 (hg19) VCF-style: chr1-120463002-G-C.
Other names: short protein forms L1777V.
Identifiers: ClinVar variation 3711807 (VCV003711807.2).